The following is an entry in ClinVar:

NC_012920.1(MT-ATP6):m.8737A>G

Gene: MT-ATP6 (mitochondrially encoded ATP synthase 6; plus strand).
Variant type: single nucleotide variant.
Genome position: chrM-8737-A-G.
Identifiers: ClinVar variation 692970 (VCV000692970.1), dbSNP rs1603221754, ClinGen allele CA414797761.

ClinVar aggregate classification (germline): Uncertain significance (1 of 4 stars; one submission).

Conditions:
Leigh syndrome (NULS). Also called: Leigh's necrotizing encephalopathy; Leigh's disease; Leigh Syndrome (mtDNA deletion); Leigh Disease; Subacute necrotizing encephalopathy; Necrotizing encephalopathy infantile subacute of Leigh. Identifiers: Orphanet 506, MedGen C2931891, MONDO:0009723, OMIM 256000.

Submission:

Wong Mito Lab, Molecular and Human Genetics, Baylor College of Medicine
Classification: Uncertain significance for Leigh syndrome. Last evaluated: 2019-10-17. Review status: criteria provided, single submitter. Criteria: Modified ACMG Guidelines (Unpublished). Collection method: clinical testing. Allele origin: germline.
Comment: The NC_012920.1:m.8737A>G (YP_003024031.1:p.Met71Val) variant in MTATP6 gene is interpretated to be a Uncertain Significance variant based on the modified ACMG guidelines (unpublished). This variant meets the following evidence codes: PP7, BS4